The following is an entry in ClinVar:

ClinVar aggregate classification (germline): Uncertain significance (1 of 4 stars; one submission).

Allele frequency attached by ClinVar (database versions not stated): gnomAD 0.00001 and 0.00003; TOPMed 0.00002; gnomAD exomes 0.00004 and 0.00005; ExAC 0.00007.
gnomAD v4.1: 59 of 1,613,466 alleles (0.0037%); highest among the groups gnomAD compares: South Asian, 0.019%; no homozygotes.

Submission:

Labcorp Genetics (formerly Invitae), Labcorp
Classification: Uncertain significance. Last evaluated: 2022-08-19. Review status: criteria provided, single submitter. Criteria: Invitae Variant Classification Sherloc (09022015). Collection method: clinical testing. Allele origin: germline.
Comment: This variant has not been reported in the literature in individuals affected with P3H2-related conditions. ClinVar contains an entry for this variant (Variation ID: 1501257). Algorithms developed to predict the effect of missense changes on protein structure and function (SIFT, PolyPhen-2, Align-GVGD) all suggest that this variant is likely to be disruptive. In summary, the available evidence is currently insufficient to determine the role of this variant in disease. Therefore, it has been classified as a Variant of Uncertain Significance. This sequence change replaces arginine, which is basic and polar, with tryptophan, which is neutral and slightly polar, at codon 248 of the P3H2 protein (p.Arg248Trp). This variant is present in population databases (rs761755425, gnomAD 0.02%).

NM_018192.4(P3H2):c.742C>T (p.Arg248Trp)

Gene: P3H2 (prolyl 3-hydroxylase 2; minus strand). Cytogenetic location: 3q28.
Variant type: single nucleotide variant.
Coding change: c.742C>T on transcript NM_018192.4 (MANE Select); coding-DNA position 742, C replaced by T.
Protein change: p.Arg248Trp; replaces arginine 248 with tryptophan.
Molecular consequence: missense variant.
Genome position (GRCh38, 1-based): chr3:189,994,175, G>A on the plus strand (C>T on the coding strand, the complement: P3H2 is on the minus strand). VCF-style: chr3-189994175-G-A. GRCh37 (hg19) VCF-style: chr3-189711964-G-A.
Other names: c.199C>T, p.Arg67Trp (NM_001134418.2); short protein forms R67W, R248W.
Identifiers: ClinVar variation 1501257 (VCV001501257.6), dbSNP rs761755425, ClinGen allele CA2753229.